The following is an entry in ClinVar:

ClinVar aggregate classification (germline): Uncertain significance (1 of 4 stars; one submission).

Conditions:
Inborn genetic diseases. Identifiers: MedGen C0950123, MeSH D030342.

gnomAD v4.1: 5 of 1,613,870 alleles (0.00031%); highest among the groups gnomAD compares: African/African-American, 0.0027%; no homozygotes.

Submission:

Ambry Genetics
Classification: Uncertain significance for Inborn genetic diseases. Last evaluated: 2025-09-17. Review status: criteria provided, single submitter. Criteria: Ambry Variant Classification Scheme 2023. Collection method: clinical testing. Allele origin: germline.
Comment: The p.Y144C variant (also known as c.431A>G), located in coding exon 4 of the CCM2 gene, results from an A to G substitution at nucleotide position 431. The tyrosine at codon 144 is replaced by cysteine, an amino acid with highly dissimilar properties. This amino acid position is conserved. In addition, this alteration is predicted to be deleterious by in silico analysis. Based on the available evidence, the clinical significance of this variant remains unclear.

NM_031443.4(CCM2):c.431A>G (p.Tyr144Cys)

Gene: CCM2 (CCM2 scaffold protein; plus strand). Cytogenetic location: 7p13.
Variant type: single nucleotide variant.
Coding change: c.431A>G on transcript NM_031443.4 (MANE Select); coding-DNA position 431, A replaced by G.
Protein change: p.Tyr144Cys; replaces tyrosine 144 with cysteine.
Molecular consequence: missense variant. On other transcripts: non-coding transcript variant (1).
Genome position (GRCh38, 1-based): chr7:45,064,605, A>G. VCF-style: chr7-45064605-A-G. GRCh37 (hg19) VCF-style: chr7-45104204-A-G.
Other names: c.257A>G, p.Tyr86Cys (NM_001363459.2, NM_001167934.2); c.494A>G, p.Tyr165Cys (NM_001029835.2); c.431A>G, p.Tyr144Cys (NM_001167935.2, NM_001363458.2); short protein forms Y144C, Y165C, Y86C.
Identifiers: ClinVar variation 4607404 (VCV004607404.1).